The following is an entry in ClinVar:

NM_025114.4(CEP290):c.4297C>T (p.Gln1433Ter)

Gene: CEP290 (centrosomal protein 290; minus strand). Cytogenetic location: 12q21.32.
Variant type: single nucleotide variant.
Coding change: c.4297C>T on transcript NM_025114.4 (MANE Select); coding-DNA position 4297, C replaced by T.
Protein change: p.Gln1433Ter; replaces glutamine 1433 with a stop codon.
Molecular consequence: nonsense.
Genome position (GRCh38, 1-based): chr12:88,086,396, G>A on the plus strand (C>T on the coding strand, the complement: CEP290 is on the minus strand). VCF-style: chr12-88086396-G-A. GRCh37 (hg19) VCF-style: chr12-88480173-G-A.
Other names: short protein forms Q1433*.
Identifiers: ClinVar variation 5005193 (VCV005005193.2).

ClinVar aggregate classification (germline): Likely pathogenic (1 of 4 stars; one submission).

Conditions:
Senior-Loken syndrome 6 (SLSN6). Identifiers: Orphanet 3156, MedGen C1857779, MONDO:0012433, OMIM 610189.
Meckel syndrome, type 4 (MKS4). Also called: MECKEL-GRUBER SYNDROME, TYPE 4. Identifiers: Orphanet 564, MedGen C1970161, MONDO:0012626, OMIM 611134.
Joubert syndrome 5 (JBTS5). Identifiers: Orphanet 2318, MedGen C1857780, MONDO:0012432, OMIM 610188.
Bardet-Biedl syndrome 14 (BBS14). Identifiers: Orphanet 110, MedGen C2673874, MONDO:0014442, OMIM 615991.
Leber congenital amaurosis 10 (LCA10). Identifiers: Orphanet 65, MedGen C1857821, MONDO:0012723, OMIM 611755.

gnomAD v4.1: 1 of 1,581,536 alleles (0.000063%); highest among the groups gnomAD compares: Non-Finnish European, 0.000086%; no homozygotes.

Submission:

Juno Genomics, Hangzhou Juno Genomics, Inc
Classification: Likely pathogenic for Bardet-Biedl syndrome 14; Joubert syndrome 5; Leber congenital amaurosis 10; Meckel syndrome, type 4; Senior-Loken syndrome 6. Review status: criteria provided, single submitter. Criteria: ACMG Guidelines, 2015. Collection method: clinical testing. Allele origin: germline.
Comment: Null variant in a gene where loss of function (LOF) is a known mechanism of disease.;Absent from controls (or at extremely low frequency if recessive) in Genome Aggregation Database.